The following is an entry in ClinVar:

NM_006231.4(POLE):c.3320A>G (p.Lys1107Arg)

Gene: POLE (DNA polymerase epsilon, catalytic subunit; minus strand). Cytogenetic location: 12q24.33.
Variant type: single nucleotide variant.
Coding change: c.3320A>G on transcript NM_006231.4 (MANE Select); coding-DNA position 3320, A replaced by G.
Protein change: p.Lys1107Arg; replaces lysine 1107 with arginine.
Molecular consequence: missense variant.
Genome position (GRCh38, 1-based): chr12:132,657,926, T>C on the plus strand (A>G on the coding strand, the complement: POLE is on the minus strand). VCF-style: chr12-132657926-T-C. GRCh37 (hg19) VCF-style: chr12-133234512-T-C.
Other names: short protein forms K1107R.
Identifiers: ClinVar variation 405662 (VCV000405662.13), dbSNP rs1060500800, ClinGen allele CA16613875.
Genomic context (GRCh38, chr12:132,657,926, plus strand): 5'-ACTGCTCGAATATCAAAGTCTTGAAGGGAAGAGCTCTTGAGCCATTTCCGGAGAAAGTGC[T>C]TCCTCACCGTGGGCTCTGCTTGGAAAATGGCAAGTGGGATGGCCCTGGGTAAGGAAGACA-3'
Protein context (NP_006222.2, residues 1097-1117): AIFQAEPTVR[Lys1107Arg]HFLRKWLKSS

ClinVar aggregate classification (germline): Uncertain significance. Review status: criteria provided, multiple submitters, no conflicts (2 of 4 stars). 2 submissions from 2 submitters: Uncertain significance (2). Last evaluated 2023-10-20.

Conditions:
Hereditary cancer-predisposing syndrome. Also called: Hereditary Cancer Syndrome; Hereditary neoplastic syndrome; Neoplastic Syndromes, Hereditary; Tumor predisposition. Identifiers: Orphanet 140162, MedGen C0027672, MeSH D009386, MONDO:0015356.

gnomAD v4.1: 1 of 1,614,142 alleles (0.000062%); highest among the groups gnomAD compares: Non-Finnish European, 0.000085%; no homozygotes.

Submissions (2):

Ambry Genetics
Classification: Uncertain significance for Hereditary cancer-predisposing syndrome. Last evaluated: 2023-10-20. Review status: criteria provided, single submitter. Criteria: Ambry Variant Classification Scheme 2023. Collection method: clinical testing. Allele origin: germline.
Comment: The p.K1107R variant (also known as c.3320A>G), located in coding exon 27 of the POLE gene, results from an A to G substitution at nucleotide position 3320. The lysine at codon 1107 is replaced by arginine, an amino acid with highly similar properties. This amino acid position is conserved. In addition, this alteration is predicted to be tolerated by in silico analysis. Since supporting evidence is limited at this time, the clinical significance of this alteration remains unclear.

Labcorp Genetics (formerly Invitae), Labcorp
Classification: Uncertain significance. Last evaluated: 2019-11-01. Review status: criteria provided, single submitter. Criteria: Invitae Variant Classification Sherloc (09022015). Collection method: clinical testing. Allele origin: germline.
Comment: This sequence change replaces lysine with arginine at codon 1107 of the POLE protein (p.Lys1107Arg). The lysine residue is moderately conserved and there is a small physicochemical difference between lysine and arginine. This variant is not present in population databases (ExAC no frequency). This variant has not been reported in the literature in individuals with POLE-related conditions. ClinVar contains an entry for this variant (Variation ID: 405662). Algorithms developed to predict the effect of missense changes on protein structure and function output the following: SIFT: "Tolerated"; PolyPhen-2: "Benign"; Align-GVGD: "Class C0". The arginine amino acid residue is found in multiple mammalian species, suggesting that this missense change does not adversely affect protein function. These predictions have not been confirmed by published functional studies and their clinical significance is uncertain. In summary, the available evidence is currently insufficient to determine the role of this variant in disease. Therefore, it has been classified as a Variant of Uncertain Significance.